The following is an entry in ClinVar:

ClinVar aggregate classification (germline): Benign/Likely benign. Review status: criteria provided, multiple submitters, no conflicts (2 of 4 stars). 6 submissions from 6 submitters: Benign (5); Likely benign (1). Last evaluated 2026-02-03.

Conditions:
Parkinson disease 5, autosomal dominant, susceptibility to (PARK5). Also called: Parkinson disease 5, susceptibility to. Identifiers: Orphanet 2828, MedGen C3150899, MONDO:0013340, OMIM 613643.

Allele frequency attached by ClinVar (database versions not stated): 1000 Genomes Project 0.02955; 1000 Genomes Project 30x 0.03029; gnomAD 0.05114 and 0.05228; TOPMed 0.05126; gnomAD exomes 0.05254; ExAC 0.05372; ESP Exome Variant Server 0.05990.
gnomAD v4.1: 106,118 of 1,612,630 alleles (6.6%); highest among the groups gnomAD compares: Middle Eastern, 10%; 3,993 homozygotes.

Submissions 1 to 31 of 60:

Labcorp Genetics (formerly Invitae), Labcorp
Classification: Benign. Last evaluated: 2026-02-03. Review status: criteria provided, single submitter. Criteria: Invitae Variant Classification Sherloc (09022015). Collection method: clinical testing. Allele origin: germline.

Blueprint Genetics
Classification: Likely benign. Last evaluated: 2024-11-26. Review status: criteria provided, single submitter. Criteria: ACMG Guidelines, 2015. Collection method: clinical testing. Allele origin: germline.

Mayo Clinic Laboratories, Mayo Clinic
Classification: Benign. Last evaluated: 2022-03-24. Review status: criteria provided, single submitter. Criteria: ACMG Guidelines, 2015. Collection method: clinical testing. Allele origin: germline. Observed: 94 variant alleles.

GeneDx
Classification: Benign. Last evaluated: 2021-03-24. Review status: criteria provided, single submitter. Criteria: GeneDx Variant Classification Process June 2021. Collection method: clinical testing. Allele origin: germline. Affected: yes.

Illumina Laboratory Services, Illumina
Classification: Benign for Parkinson disease 5, autosomal dominant, susceptibility to. Last evaluated: 2018-01-12. Review status: criteria provided, single submitter. Criteria: ICSL Variant Classification Criteria 13 December 2019. Collection method: clinical testing. Allele origin: germline.
Comment: This variant was observed in the ICSL laboratory as part of a predisposition screen in an ostensibly healthy population. It had not been previously curated by ICSL or reported in the Human Gene Mutation Database (HGMD: prior to June 1st, 2018), and was therefore a candidate for classification through an automated scoring system. Utilizing variant allele frequency, disease prevalence and penetrance estimates, and inheritance mode, an automated score was calculated to assess if this variant is too frequent to cause the disease. Based on the score and internal cut-off values, a variant classified as benign is not then subjected to further curation. The score for this variant resulted in a classification of benign for this disease.

Breakthrough Genomics
Classification: Benign. Review status: criteria provided, single submitter. Criteria: ACMG Guidelines, 2015. Collection method: not provided. Allele origin: germline. Inheritance: Autosomal recessive inheritance. Affected: yes.

Dr. Peter K. Rogan Lab, Western University
No classification provided (evidence only). Condition: Clear cell carcinoma of kidney. Review status: no classification provided. Collection method: in vitro. Allele origin: not applicable. Functional consequence: retained intron. Not counted in ClinVar's aggregate classification.

Dr. Peter K. Rogan Lab, Western University
No classification provided (evidence only). Condition: Clear cell carcinoma of kidney. Review status: no classification provided. Collection method: in vitro. Allele origin: not applicable. Functional consequence: retained intron. Not counted in ClinVar's aggregate classification.

Dr. Peter K. Rogan Lab, Western University
No classification provided (evidence only). Condition: Malignant lymphoma, large B-cell, diffuse. Review status: no classification provided. Collection method: in vitro. Allele origin: not applicable. Functional consequence: skipped exon, retained intron. Not counted in ClinVar's aggregate classification.

Dr. Peter K. Rogan Lab, Western University
No classification provided (evidence only). Condition: Malignant lymphoma, large B-cell, diffuse. Review status: no classification provided. Collection method: in vitro. Allele origin: not applicable. Functional consequence: retained intron. Not counted in ClinVar's aggregate classification.

Dr. Peter K. Rogan Lab, Western University
No classification provided (evidence only). Condition: Nonpapillary renal cell carcinoma. Review status: no classification provided. Collection method: in vitro. Allele origin: not applicable. Functional consequence: retained intron. Not counted in ClinVar's aggregate classification.

Dr. Peter K. Rogan Lab, Western University
No classification provided (evidence only). Condition: Nonpapillary renal cell carcinoma. Review status: no classification provided. Collection method: in vitro. Allele origin: not applicable. Functional consequence: skipped exon, retained intron. Not counted in ClinVar's aggregate classification.

Dr. Peter K. Rogan Lab, Western University
No classification provided (evidence only). Condition: Thymoma. Review status: no classification provided. Collection method: in vitro. Allele origin: not applicable. Functional consequence: retained intron. Not counted in ClinVar's aggregate classification.

Dr. Peter K. Rogan Lab, Western University
No classification provided (evidence only). Condition: Thymoma. Review status: no classification provided. Collection method: in vitro. Allele origin: not applicable. Functional consequence: retained intron. Not counted in ClinVar's aggregate classification.

Dr. Peter K. Rogan Lab, Western University
No classification provided (evidence only). Condition: Thymoma. Review status: no classification provided. Collection method: in vitro. Allele origin: not applicable. Functional consequence: retained intron. Not counted in ClinVar's aggregate classification.

Dr. Peter K. Rogan Lab, Western University
No classification provided (evidence only). Condition: Thymoma. Review status: no classification provided. Collection method: in vitro. Allele origin: not applicable. Functional consequence: retained intron. Not counted in ClinVar's aggregate classification.

Dr. Peter K. Rogan Lab, Western University
No classification provided (evidence only). Condition: Thymoma. Review status: no classification provided. Collection method: in vitro. Allele origin: not applicable. Functional consequence: retained intron. Not counted in ClinVar's aggregate classification.

Dr. Peter K. Rogan Lab, Western University
No classification provided (evidence only). Condition: Thymoma. Review status: no classification provided. Collection method: in vitro. Allele origin: not applicable. Functional consequence: retained intron. Not counted in ClinVar's aggregate classification.

Dr. Peter K. Rogan Lab, Western University
No classification provided (evidence only). Condition: Cholangiocarcinoma. Review status: no classification provided. Collection method: in vitro. Allele origin: not applicable. Functional consequence: skipped exon. Not counted in ClinVar's aggregate classification.

Dr. Peter K. Rogan Lab, Western University
No classification provided (evidence only). Condition: Cholangiocarcinoma. Review status: no classification provided. Collection method: in vitro. Allele origin: not applicable. Functional consequence: skipped exon. Not counted in ClinVar's aggregate classification.

Dr. Peter K. Rogan Lab, Western University
No classification provided (evidence only). Condition: Uterine carcinosarcoma. Review status: no classification provided. Collection method: in vitro. Allele origin: not applicable. Functional consequence: retained intron. Not counted in ClinVar's aggregate classification.

Dr. Peter K. Rogan Lab, Western University
No classification provided (evidence only). Condition: Uterine carcinosarcoma. Review status: no classification provided. Collection method: in vitro. Allele origin: not applicable. Functional consequence: retained intron. Not counted in ClinVar's aggregate classification.

Dr. Peter K. Rogan Lab, Western University
No classification provided (evidence only). Condition: Uterine carcinosarcoma. Review status: no classification provided. Collection method: in vitro. Allele origin: not applicable. Functional consequence: skipped exon, retained intron. Not counted in ClinVar's aggregate classification.

Dr. Peter K. Rogan Lab, Western University
No classification provided (evidence only). Condition: Uterine carcinosarcoma. Review status: no classification provided. Collection method: in vitro. Allele origin: not applicable. Functional consequence: retained intron. Not counted in ClinVar's aggregate classification.

Dr. Peter K. Rogan Lab, Western University
No classification provided (evidence only). Condition: Uveal melanoma. Review status: no classification provided. Collection method: in vitro. Allele origin: not applicable. Functional consequence: retained intron. Not counted in ClinVar's aggregate classification.

Dr. Peter K. Rogan Lab, Western University
No classification provided (evidence only). Condition: Uveal melanoma. Review status: no classification provided. Collection method: in vitro. Allele origin: not applicable. Functional consequence: retained intron. Not counted in ClinVar's aggregate classification.

Dr. Peter K. Rogan Lab, Western University
No classification provided (evidence only). Condition: Uveal melanoma. Review status: no classification provided. Collection method: in vitro. Allele origin: not applicable. Functional consequence: retained intron. Not counted in ClinVar's aggregate classification.

Dr. Peter K. Rogan Lab, Western University
No classification provided (evidence only). Condition: Uveal melanoma. Review status: no classification provided. Collection method: in vitro. Allele origin: not applicable. Functional consequence: retained intron. Not counted in ClinVar's aggregate classification.

Dr. Peter K. Rogan Lab, Western University
No classification provided (evidence only). Condition: Uveal melanoma. Review status: no classification provided. Collection method: in vitro. Allele origin: not applicable. Functional consequence: retained intron. Not counted in ClinVar's aggregate classification.

Dr. Peter K. Rogan Lab, Western University
No classification provided (evidence only). Condition: Uveal melanoma. Review status: no classification provided. Collection method: in vitro. Allele origin: not applicable. Functional consequence: retained intron. Not counted in ClinVar's aggregate classification.

Dr. Peter K. Rogan Lab, Western University
No classification provided (evidence only). Condition: Uveal melanoma. Review status: no classification provided. Collection method: in vitro. Allele origin: not applicable. Functional consequence: skipped exon. Not counted in ClinVar's aggregate classification.

NM_004181.5(UCHL1):c.45+6T>C

Gene: UCHL1 (ubiquitin C-terminal hydrolase L1; plus strand). Cytogenetic location: 4p13.
Variant type: single nucleotide variant.
Coding change: c.45+6T>C on transcript NM_004181.5 (MANE Select); 6 bases into the intron after coding-DNA position 45, T replaced by C.
Molecular consequence: intron variant.
Genome position (GRCh38, 1-based): chr4:41,257,132, T>C. VCF-style: chr4-41257132-T-C. GRCh37 (hg19) VCF-style: chr4-41259149-T-C.
Other names: p.?.
Identifiers: ClinVar variation 348769 (VCV000348769.18), dbSNP rs11556273, ClinGen allele CA2899887.